The following is an entry in ClinVar:

ClinVar aggregate classification (germline): Conflicting classifications of pathogenicity. Review status: criteria provided, conflicting classifications (1 of 4 stars). 13 submissions from 13 submitters: Uncertain significance (10); Benign (1); Likely benign (1). 1 of the submissions does not count toward it. Last evaluated 2026-01-11.

Conditions:
Hereditary cancer-predisposing syndrome. Also called: Tumor predisposition; Neoplastic Syndromes, Hereditary; Hereditary Cancer Syndrome; Hereditary neoplastic syndrome. Identifiers: Orphanet 140162, MedGen C0027672, MeSH D009386, MONDO:0015356.
Peutz-Jeghers syndrome (PJS). Also called: Peutz-Jeghers polyposis; Periorificial lentiginosis syndrome; POLYPOSIS, HAMARTOMATOUS INTESTINAL; POLYPS-AND-SPOTS SYNDROME. Identifiers: Orphanet 2869, MedGen C0031269, MeSH D010580, MONDO:0008280, OMIM 175200.

Allele frequency attached by ClinVar (database versions not stated): gnomAD 0.00001; gnomAD exomes 0.00001; ExAC 0.00002; 1000 Genomes Project 30x 0.00016.
gnomAD v4.1: 11 of 1,591,648 alleles (0.00069%); highest among the groups gnomAD compares: East Asian, 0.0046%; no homozygotes.

Submissions (13):

Labcorp Genetics (formerly Invitae), Labcorp
Classification: Benign for Peutz-Jeghers syndrome. Last evaluated: 2026-01-11. Review status: criteria provided, single submitter. Criteria: Invitae Variant Classification Sherloc (09022015). Collection method: clinical testing. Allele origin: germline.

3billion
Classification: Uncertain significance for Peutz-Jeghers syndrome. Last evaluated: 2025-02-21. Review status: criteria provided, single submitter. Criteria: ACMG Guidelines, 2015. Collection method: clinical testing. Allele origin: germline. Affected: yes.
Comment: The variant is observed at an extremely low frequency in the gnomAD v4.1.0 dataset (total allele frequency: <0.001%). Predicted Consequence/Location: Missense variant. The majority of the known disease-causing variants of this gene are variants expected to result in premature termination of the protein. In silico tool predictions suggest damaging effect of the variant on gene or gene product [3Cnet: 0.99 (>=0.6, sensitivity 0.72 and precision 0.9)]. The variant has been reported as of uncertain significance (ClinVar ID: VCV000184032; PMID: 30287823). Different missense changes at the same codon have been reported as of uncertain significance (ClinVar ID: VCV000480699, VCV000527826, VCV000560789). Therefore, this variant is classified as VUS according to the recommendation of ACMG/AMP guideline.

Color Diagnostics, LLC DBA Color Health
Classification: Uncertain significance for Hereditary cancer-predisposing syndrome. Last evaluated: 2024-08-28. Review status: criteria provided, single submitter. Criteria: ACMG Guidelines, 2015. Collection method: clinical testing. Allele origin: germline.
Comment: This missense variant replaces alanine with valine at codon 206 of the STK11 protein. Computational prediction suggests that this variant may not impact protein structure and function. To our knowledge, functional studies have not been reported for this variant. This variant has not been reported in individuals affected with STK11-related disorders in the literature. This variant has not been identified in the general population by the Genome Aggregation Database (gnomAD). The available evidence is insufficient to determine the role of this variant in disease conclusively. Therefore, this variant is classified as a Variant of Uncertain Significance.

All of Us Research Program, National Institutes of Health
Classification: Uncertain significance for Peutz-Jeghers syndrome. Last evaluated: 2023-08-08. Review status: criteria provided, single submitter. Criteria: ACMG Guidelines, 2015. Collection method: clinical testing. Allele origin: germline. Inheritance: Autosomal dominant inheritance. Observed: 2 variant alleles, 2 heterozygotes.
Comment: This missense variant replaces alanine with valine at codon 206 of the STK11 protein. Computational prediction suggests that this variant may not impact protein structure and function (internally defined REVEL score threshold <= 0.5, PMID: 27666373). Splice site prediction tools suggest that this variant may not impact RNA splicing. To our knowledge, functional studies have not been performed for this variant. This variant has not been reported in individuals affected with hereditary cancer in the literature. This variant has not been identified in the general population by the Genome Aggregation Database (gnomAD). The available evidence is insufficient to determine the role of this variant in disease conclusively. Therefore, this variant is classified as a Variant of Uncertain Significance.

This study involves interpretation of variants in research participants for the purpose of population health screening. Participant phenotype was not available at the time of variant classification. Additional details can be found in publication PMID: 35346344, PMCID: PMC8962531

Myriad Genetics, Inc.
Classification: Uncertain significance for Peutz-Jeghers syndrome. Last evaluated: 2023-04-12. Review status: criteria provided, single submitter. Criteria: Myriad Autosomal Dominant, Autosomal Recessive and X-Linked Classification Criteria (2023). Collection method: clinical testing. Allele origin: unknown.
Comment: This variant is classified as a variant of uncertain significance as there is insufficient evidence to determine its impact on protein function and/or cancer risk.

Mendelics
Classification: Uncertain significance. Last evaluated: 2022-05-04. Review status: criteria provided, single submitter. Criteria: Mendelics Assertion Criteria 2019. Collection method: clinical testing. Allele origin: germline.

MGZ Medical Genetics Center
Classification: Uncertain significance for Peutz-Jeghers syndrome. Last evaluated: 2022-03-29. Review status: criteria provided, single submitter. Criteria: ACMG Guidelines, 2015. Collection method: clinical testing. Allele origin: germline. Affected: yes. Observed: 1 variant allele.
Comment: ACMG criteria applied: PM2_SUP, BP4

CeGaT Center for Human Genetics Tuebingen
Classification: Uncertain significance. Last evaluated: 2021-12-01. Review status: criteria provided, single submitter. Criteria: CeGaT Center For Human Genetics Tuebingen Variant Classification Criteria Version 2. Collection method: clinical testing. Allele origin: germline. Affected: yes. Observed: 1 variant allele.

GeneDx
Classification: Uncertain significance. Last evaluated: 2021-09-22. Review status: criteria provided, single submitter. Criteria: GeneDx Variant Classification Process June 2021. Collection method: clinical testing. Allele origin: germline. Affected: yes.
Comment: Not observed at significant frequency in large population cohorts (Lek 2016); In silico analysis supports that this missense variant does not alter protein structure/function; Observed in an individual with breast cancer (Stuttgen 2019); This variant is associated with the following publications: (PMID: 28199989, 30287823, 15863673, 31465090)

Genome-Nilou Lab
Classification: Uncertain significance for Peutz-Jeghers syndrome. Last evaluated: 2021-07-15. Review status: criteria provided, single submitter. Criteria: ACMG Guidelines, 2015. Collection method: clinical testing. Allele origin: germline. Affected: no.

Ambry Genetics
Classification: Likely benign for Hereditary cancer-predisposing syndrome. Last evaluated: 2019-07-09. Review status: criteria provided, single submitter. Criteria: Ambry Variant Classification Scheme 2023. Collection method: clinical testing. Allele origin: germline.

Illumina Laboratory Services, Illumina
Classification: Uncertain significance for Peutz-Jeghers syndrome. Last evaluated: 2017-04-27. Review status: criteria provided, single submitter. Criteria: ICSL Variant Classification Criteria 13 December 2019. Collection method: clinical testing. Allele origin: germline.

Counsyl
Classification: Uncertain significance for Peutz-Jeghers syndrome. Last evaluated: 2016-02-10. Review status: no assertion criteria provided. Collection method: clinical testing. Allele origin: unknown. Not counted in ClinVar's aggregate classification.

Literature cited by the submitters: PubMed 28199989 (cited by Ambry Genetics); PubMed 30287823 (cited by Ambry Genetics).

NM_000455.5(STK11):c.617C>T (p.Ala206Val)

Gene: STK11 (serine/threonine kinase 11; plus strand). Cytogenetic location: 19p13.3.
Variant type: single nucleotide variant.
Coding change: c.617C>T on transcript NM_000455.5 (MANE Select); coding-DNA position 617, C replaced by T.
Protein change: p.Ala206Val; replaces alanine 206 with valine.
Molecular consequence: missense variant.
Genome position (GRCh38, 1-based): chr19:1,220,600, C>T. VCF-style: chr19-1220600-C-T. GRCh37 (hg19) VCF-style: chr19-1220599-C-T.
Other names: short protein forms A206V.
Identifiers: ClinVar variation 184032 (VCV000184032.68), dbSNP rs764244639, ClinGen allele CA023158.